The following is an entry in ClinVar:

ClinVar aggregate classification (germline): Uncertain significance (1 of 4 stars; one submission).

Conditions:
Inborn genetic diseases. Identifiers: MedGen C0950123, MeSH D030342.

Allele frequency attached by ClinVar (database versions not stated): gnomAD exomes below 0.00001; TOPMed below 0.00001; gnomAD 0.00001.
gnomAD v4.1: 3 of 1,613,168 alleles (0.00019%); highest among the groups gnomAD compares: South Asian, 0.0011%; no homozygotes.

Submission:

Ambry Genetics
Classification: Uncertain significance for Inborn genetic diseases. Last evaluated: 2023-02-23. Review status: criteria provided, single submitter. Criteria: Ambry Variant Classification Scheme 2023. Collection method: clinical testing. Allele origin: germline.
Comment: The p.I2336T variant (also known as c.7007T>C), located in coding exon 47 of the LRRK2 gene, results from a T to C substitution at nucleotide position 7007. The isoleucine at codon 2336 is replaced by threonine, an amino acid with similar properties. This amino acid position is conserved. In addition, the in silico prediction for this alteration is inconclusive. Since supporting evidence is limited at this time, the clinical significance of this alteration remains unclear.

NM_198578.4(LRRK2):c.7007T>C (p.Ile2336Thr)

Gene: LRRK2 (leucine rich repeat kinase 2; plus strand). Cytogenetic location: 12q12.
Variant type: single nucleotide variant.
Coding change: c.7007T>C on transcript NM_198578.4 (MANE Select); coding-DNA position 7007, T replaced by C.
Protein change: p.Ile2336Thr; replaces isoleucine 2336 with threonine.
Molecular consequence: missense variant.
Genome position (GRCh38, 1-based): chr12:40,359,423, T>C. VCF-style: chr12-40359423-T-C. GRCh37 (hg19) VCF-style: chr12-40753225-T-C.
Other names: short protein forms I2336T.
Identifiers: ClinVar variation 2447285 (VCV002447285.2), dbSNP rs1390360497, ClinGen allele CA384412101.